The following is an entry in ClinVar:

NM_001005242.3(PKP2):c.1034+1del

Gene: PKP2 (plakophilin 2; minus strand). Cytogenetic location: 12p11.21.
Variant type: Deletion.
Coding change: c.1034+1del on transcript NM_001005242.3 (MANE Select); the canonical splice donor site of the intron after coding-DNA position 1034, one base deleted (G; older notation c.1034+1delG).
Molecular consequence: splice donor variant.
Genome position (GRCh38, 1-based): chr12:32,877,845, C deleted on the plus strand (G on the coding strand, the reverse complement: PKP2 is on the minus strand); the first of 4 consecutive C bases (chr12:32,877,845-32,877,848); deleting any one gives the same sequence. VCF-style (leftmost placement, unchanged base first): chr12-32877844-AC-A. GRCh37 (hg19) VCF-style: chr12-33030778-AC-A.
Other names: c.1034+1delG (NM_004572.3); c.1034+1del (NM_001407157.1, NM_001407156.1, NM_001407155.1 and 2 more transcripts); c.707+1del (NM_001407162.1, NM_001407160.1, NM_001407159.1 and 1 more transcripts).
Identifiers: ClinVar variation 505298 (VCV000505298.5), dbSNP rs1555148011, ClinGen allele CA658797861.
Genomic context (GRCh38, chr12:32,877,844, plus strand): 5'-CAGGGCTGTGGGAACAGAATGTGCTGGCAATGACTGAACTGCAGAGTCAGGAGGGGACTT[AC>A]CCCAGCTGGGAGTCAGTGAAAGTGCTTCTCTCAGTGAGCAGATTCCCACTTCCCCCTGCG-3'

ClinVar aggregate classification (germline): Likely pathogenic (1 of 4 stars; one submission).

Conditions:
Arrhythmogenic right ventricular cardiomyopathy (ARVD). Also called: Arrhythmogenic cardiomyopathy; Arrhythmogenic Right Ventricular Cardiomyopathy (ARVC); Cardiomyopathy, ARVC; Arrhythmogenic right ventricular dysplasia. Identifiers: Orphanet 247, MedGen C0349788, MeSH D019571, MONDO:0016587. Disease mechanism: loss of function. Inheritance: Various modes of inheritance.

Submission:

Laboratory for Molecular Medicine, Mass General Brigham Personalized Medicine
Classification: Likely pathogenic for Arrhythmogenic right ventricular cardiomyopathy. Last evaluated: 2016-09-21. Review status: criteria provided, single submitter. Criteria: LMM Criteria. Collection method: clinical testing. Allele origin: germline. Observed: 1 variant allele.
Comment: The c.1034+1delG variant in PKP2 has not been previously reported in individuals with cardiomyopathy or in large population studies. This variant occurs in the invariant region (+/- 1,2) of the splice consensus sequence and is predicted to cause altered splicing leading to an abnormal or absent protein. Heterozygous lo ss of function in PKP2 is an established disease mechanism in individuals with A RVC. In summary, although additional studies are required to fully establish its clinical significance, the c.1034+1delG variant is likely pathogenic.